The following is an entry in ClinVar:

NM_015972.4(POLR1D):c.177C>T (p.Ile59=)

Genes: POLR1D (RNA polymerase I and III subunit D; plus strand), LOC147380392 (uncharacterized LOC147380392; plus strand). Cytogenetic location: 13q12.2.
Variant type: single nucleotide variant.
Coding change: c.177C>T on transcript NM_015972.4 (MANE Select); coding-DNA position 177, C replaced by T.
Protein change: p.Ile59=; no amino-acid change (isoleucine 59 retained).
Molecular consequence: synonymous variant. On other transcripts: intron variant (2).
Genome position (GRCh38, 1-based): chr13:27,623,025, C>T. VCF-style: chr13-27623025-C-T. GRCh37 (hg19) VCF-style: chr13-28197162-C-T.
Other names: c.-59+1885C>T (NM_001206559.2); c.26+1016C>T (NM_152705.3).
Identifiers: ClinVar variation 596330 (VCV000596330.18), dbSNP rs144597856, ClinGen allele CA6927266.

ClinVar aggregate classification (germline): Conflicting classifications of pathogenicity. Review status: criteria provided, conflicting classifications (1 of 4 stars). 5 submissions from 5 submitters: Uncertain significance (1); Likely benign (3). 1 of the submissions does not count toward it. Last evaluated 2025-05-28.

Conditions:
POLR1D-related disorder. Also called: POLR1D-related condition.

Allele frequency attached by ClinVar (database versions not stated): gnomAD exomes 0.00011 and 0.00028; ExAC 0.00015; gnomAD 0.00016; TOPMed 0.00017; ESP Exome Variant Server 0.00046.
gnomAD v4.1: 428 of 1,613,906 alleles (0.027%); highest among the groups gnomAD compares: Non-Finnish European, 0.035%; no homozygotes.

Submissions (5):

Labcorp Genetics (formerly Invitae), Labcorp
Classification: Likely benign. Last evaluated: 2025-05-28. Review status: criteria provided, single submitter. Criteria: Invitae Variant Classification Sherloc (09022015). Collection method: clinical testing. Allele origin: germline.

Blueprint Genetics
Classification: Likely benign. Last evaluated: 2024-11-27. Review status: criteria provided, single submitter. Criteria: ACMG Guidelines, 2015. Collection method: clinical testing. Allele origin: germline.

GeneDx
Classification: Likely benign. Last evaluated: 2020-10-06. Review status: criteria provided, single submitter. Criteria: GeneDx Variant Classification Process June 2021. Collection method: clinical testing. Allele origin: germline. Affected: yes.

Eurofins Ntd Llc (ga)
Classification: Uncertain significance. Last evaluated: 2018-03-20. Review status: criteria provided, single submitter. Criteria: EGL ClinVar v180209 classification definitions. Collection method: clinical testing. Allele origin: germline. Observed: 1 variant allele, 1 heterozygote.

PreventionGenetics, part of Exact Sciences
Classification: Likely benign for POLR1D-related condition. Last evaluated: 2021-11-26. Review status: no assertion criteria provided. Collection method: clinical testing. Allele origin: germline. Not counted in ClinVar's aggregate classification.
Comment: This variant is classified as likely benign based on ACMG/AMP sequence variant interpretation guidelines (Richards et al. 2015 PMID: 25741868, with internal and published modifications).